The following is an entry in ClinVar:

ClinVar aggregate classification (germline): Benign (1 of 4 stars; one submission).

Conditions:
Colorectal cancer, hereditary nonpolyposis, type 7. Identifiers: Orphanet 144, MedGen C1858380, MONDO:0013725, OMIM 614385.

Submission:

Myriad Genetics, Inc.
Classification: Benign for Colorectal cancer, hereditary nonpolyposis, type 7. Last evaluated: 2026-09-18. Review status: criteria provided, single submitter. Criteria: Myriad Autosomal Dominant, Autosomal Recessive and X-Linked Classification Criteria (2023). Collection method: clinical testing. Allele origin: unknown.
Comment: This variant is considered benign. This variant is a silent/synonymous amino acid change and it is not expected to impact splicing.

NM_001040108.2(MLH3):c.2685T>G (p.Arg895=)

Gene: MLH3 (mutL homolog 3; minus strand). Cytogenetic location: 14q24.3.
Variant type: single nucleotide variant.
Coding change: c.2685T>G on transcript NM_001040108.2 (MANE Select); coding-DNA position 2685, T replaced by G.
Protein change: p.Arg895=; no amino-acid change (arginine 895 retained).
Molecular consequence: synonymous variant.
Genome position (GRCh38, 1-based): chr14:75,046,971, A>C on the plus strand (T>G on the coding strand, the complement: MLH3 is on the minus strand). VCF-style: chr14-75046971-A-C. GRCh37 (hg19) VCF-style: chr14-75513674-A-C.
Other names: c.2685T>G, p.Arg895= (NM_014381.3).
Identifiers: ClinVar variation 5042147 (VCV005042147.1).
Genomic context (GRCh38, chr14:75,046,971, plus strand): 5'-TAACACACTGCACAACTTGCTGTCTTTCCTACTGGAATCTGAATTTGGAAGTTCATTAAA[A>C]CGACTCATCATCCCCATTGTTTGAGTTTCTCTTTCGGAACCCTTCAGTCTGGATAATTTA-3'
Protein context (NP_001035197.1, residues 885-905): RETQTMGMMS[Arg895=]FNELPNSDSS